The following is an entry in ClinVar:

NM_000540.3(RYR1):c.9277C>T (p.Arg3093Cys)

Gene: RYR1 (ryanodine receptor 1; plus strand). Cytogenetic location: 19q13.2.
Variant type: single nucleotide variant.
Coding change: c.9277C>T on transcript NM_000540.3 (MANE Select); coding-DNA position 9277, C replaced by T.
Protein change: p.Arg3093Cys; replaces arginine 3093 with cysteine.
Molecular consequence: missense variant.
Genome position (GRCh38, 1-based): chr19:38,512,288, C>T. VCF-style: chr19-38512288-C-T. GRCh37 (hg19) VCF-style: chr19-39002928-C-T.
Other names: c.9277C>T, p.Arg3093Cys (NM_001042723.2); short protein forms R3093C.
Identifiers: ClinVar variation 424556 (VCV000424556.8), dbSNP rs1064797039, ClinGen allele CA16620838.

ClinVar aggregate classification (germline): Uncertain significance. Review status: criteria provided, multiple submitters, no conflicts (2 of 4 stars). 3 submissions from 3 submitters: Uncertain significance (3). Last evaluated 2021-08-28.

Conditions:
RYR1-related disorder. Also called: RYR1-related disorders; RYR1-related condition. Identifiers: MedGen CN239331.
Central core myopathy (CMYO1A). Also called: Central core disease; Myopathy, central fibrillar; CONGENITAL MYOPATHY 1A, AUTOSOMAL DOMINANT, WITH SUSCEPTIBILITY TO MALIGNANT HYPERTHERMIA. Identifiers: Orphanet 597, MedGen C5830701, MONDO:0007294, OMIM 117000.
Congenital myopathy with fiber type disproportion. Also called: Congenital fiber-type disproportion myopathy; Congenital fiber-type disproportion. Identifiers: Orphanet 2020, MedGen C0546264, MONDO:0009711. Inheritance: all.
Malignant hyperthermia, susceptibility to, 1 (MHS1). Also called: RYR1-Related Malignant Hyperthermia Susceptibility; Malignant hyperthermia suceptibility 1; Anesthesia related hyperthermia; Malignant hyperpyrexia; Fulminating hyperpyrexia; Pharmacogenic myopathy. Identifiers: Orphanet 423, MedGen C2930980, MONDO:0007783, OMIM 145600.
Congenital multicore myopathy with external ophthalmoplegia (CMYO1B). Also called: MULTIMINICORE DISEASE WITH EXTERNAL OPHTHALMOPLEGIA; Minicore myopathy with external ophthalmoplegia; Congenital myopathy 1B, autosomal recessive; Minicore myopathy; MULTICORE MYOPATHY. Identifiers: Orphanet 598, Orphanet 98905, MedGen C1850674, MONDO:0009712, OMIM 255320, HP:0003789.

Allele frequency attached by ClinVar (database versions not stated): gnomAD exomes below 0.00001.
gnomAD v4.1: 6 of 1,614,236 alleles (0.00037%); highest among the groups gnomAD compares: Admixed American, 0.0017%; no homozygotes.

Submissions (3):

Labcorp Genetics (formerly Invitae), Labcorp
Classification: Uncertain significance for RYR1-related disorder. Last evaluated: 2021-08-28. Review status: criteria provided, single submitter. Criteria: Invitae Variant Classification Sherloc (09022015). Collection method: clinical testing. Allele origin: germline.
Comment: This sequence change replaces arginine with cysteine at codon 3093 of the RYR1 protein (p.Arg3093Cys). The arginine residue is highly conserved and there is a large physicochemical difference between arginine and cysteine. This variant is not present in population databases (ExAC no frequency). This variant has not been reported in the literature in individuals affected with RYR1-related conditions. Algorithms developed to predict the effect of missense changes on protein structure and function are either unavailable or do not agree on the potential impact of this missense change (SIFT: "Deleterious"; PolyPhen-2: "Benign"; Align-GVGD: "Class C0"). In summary, the available evidence is currently insufficient to determine the role of this variant in disease. Therefore, it has been classified as a Variant of Uncertain Significance.

Fulgent Genetics
Classification: Uncertain significance for Central core myopathy; Malignant hyperthermia, susceptibility to, 1; Congenital myopathy 4A, autosomal dominant; Congenital multicore myopathy with external ophthalmoplegia. Last evaluated: 2018-10-31. Review status: criteria provided, single submitter. Criteria: ACMG Guidelines, 2015. Collection method: clinical testing. Allele origin: unknown.

GeneDx
Classification: Uncertain significance. Last evaluated: 2017-03-27. Review status: criteria provided, single submitter. Criteria: GeneDx Variant Classification (06012015). Collection method: clinical testing. Allele origin: germline. Affected: yes.
Comment: The R3093C variant in the RYR1 gene has not been reported previously as a pathogenic variant, nor as a benign variant, to our knowledge. The R3093C variant is not observed in large population cohorts (Lek et al., 2016; 1000 Genomes Consortium et al., 2015; Exome Variant Server). The R3093C variant is a non-conservative amino acid substitution, which is likely to impact secondary protein structure as these residues differ in polarity, charge, size and/or other properties. This substitution occurs at a position that is conserved across species. In silico analysis predicts this variant is probably damaging to the protein structure/function. We interpret R3093C as a variant of uncertain significance.